The following is an entry in ClinVar:

ClinVar aggregate classification (germline): Likely pathogenic, low penetrance (1 of 4 stars; one submission).

Conditions:
Atypical hemolytic-uremic syndrome. Identifiers: Orphanet 2134, MedGen C2931788, MONDO:0016244.

Submission:

Genomenon, Inc
Classification: Likely pathogenic, low penetrance for Atypical hemolytic-uremic syndrome. Last evaluated: 2025-10-02. Review status: criteria provided, single submitter. Criteria: Genomenon Sequence Variant Interpretation Standards - Updated. Collection method: curation. Allele origin: germline. Affected: yes.
Comment: CFH p.Tyr1021Phe (c.3062A>T) is a missense variant that changes the amino acid at residue 1021 from Tyrosine to Phenylalanine. This variant has been observed in at least one proband affected with atypical hemolytic-uremic syndrome (PMID:12960213). It has been observed in trans with a pathogenic variant (PMID:12960213). Functional studies have been reported (PMID:34189567). It is absent or not present at a significant frequency in gnomAD. In conclusion, we classify CFH p.Tyr1021Phe (c.3062A>T) as a likely pathogenic, low penetrance variant.

Literature cited by the submitters: PubMed 12960213; PubMed 34189567.

NM_000186.4(CFH):c.3062A>T (p.Tyr1021Phe)

Gene: CFH (complement factor H; plus strand). Cytogenetic location: 1q31.3.
Variant type: single nucleotide variant.
Coding change: c.3062A>T on transcript NM_000186.4 (MANE Select); coding-DNA position 3062, A replaced by T.
Protein change: p.Tyr1021Phe; replaces tyrosine 1021 with phenylalanine.
Molecular consequence: missense variant.
Genome position (GRCh38, 1-based): chr1:196,741,980, A>T. VCF-style: chr1-196741980-A-T. GRCh37 (hg19) VCF-style: chr1-196711110-A-T.
Other names: short protein forms Y1021F.
Identifiers: ClinVar variation 4291533 (VCV004291533.1).